The following is an entry in ClinVar:

ClinVar aggregate classification (germline): Likely benign (1 of 4 stars; one submission).

Conditions:
SYNM-related disorder. Also called: SYNM-related condition.

Allele frequency attached by ClinVar (database versions not stated): gnomAD exomes below 0.00001.
gnomAD v4.1: 1 of 1,613,788 alleles (0.000062%); highest among the groups gnomAD compares: East Asian, 0.0022%; no homozygotes.

Submission:

PreventionGenetics, part of Exact Sciences
Classification: Likely benign for SYNM-related condition. Last evaluated: 2020-07-21. Review status: criteria provided, single submitter. Criteria: ACMG Guidelines, 2015. Collection method: clinical testing. Allele origin: germline.
Comment: This variant is classified as likely benign based on ACMG/AMP sequence variant interpretation guidelines (Richards et al. 2015 PMID: 25741868, with internal and published modifications).

NM_145728.3(SYNM):c.1998A>G (p.Thr666=)

Gene: SYNM (synemin; plus strand). Cytogenetic location: 15q26.3.
Variant type: single nucleotide variant.
Coding change: c.1998A>G on transcript NM_145728.3 (MANE Select); coding-DNA position 1998, A replaced by G.
Protein change: p.Thr666=; no amino-acid change (threonine 666 retained).
Molecular consequence: synonymous variant.
Genome position (GRCh38, 1-based): chr15:99,130,358, A>G. VCF-style: chr15-99130358-A-G. GRCh37 (hg19) VCF-style: chr15-99670563-A-G.
Other names: c.1998A>G, p.Thr666= (NM_015286.6).
Identifiers: ClinVar variation 3036721 (VCV003036721.1), dbSNP rs2543113780, ClinGen allele CA492471535.
Genomic context (GRCh38, chr15:99,130,358, plus strand): 5'-CCTGAAGCAGTTCACTCAGTCTCCAGAGACAGAAGCATCTGCTGATTCTTTTCCAGACAC[A>G]AAAGTCACTTACGTGGACAGGAAAGAGCTTCCTGGGGAAAGGAAAACAAAGACTGAAATA-3'
Protein context (NP_663780.2, residues 656-676): TEASADSFPD[Thr666=]KVTYVDRKEL